The following is an entry in ClinVar:

NM_001098.3(ACO2):c.251G>A (p.Arg84Gln)

Gene: ACO2 (aconitase 2; plus strand). Cytogenetic location: 22q13.2.
Variant type: single nucleotide variant.
Coding change: c.251G>A on transcript NM_001098.3 (MANE Select); coding-DNA position 251, G replaced by A.
Protein change: p.Arg84Gln; replaces arginine 84 with glutamine.
Molecular consequence: missense variant.
Genome position (GRCh38, 1-based): chr22:41,507,868, G>A. VCF-style: chr22-41507868-G-A. GRCh37 (hg19) VCF-style: chr22-41903872-G-A.
Other names: short protein forms R84Q.
Identifiers: ClinVar variation 4694294 (VCV004694294.1).

ClinVar aggregate classification (germline): Uncertain significance (1 of 4 stars; one submission).

gnomAD v4.1: 4 of 1,614,234 alleles (0.00025%); highest among the groups gnomAD compares: Middle Eastern, 0.016%; no homozygotes.

Submission:

Labcorp Genetics (formerly Invitae), Labcorp
Classification: Uncertain significance. Last evaluated: 2025-09-01. Review status: criteria provided, single submitter. Criteria: Invitae Variant Classification Sherloc (09022015). Collection method: clinical testing. Allele origin: germline.
Comment: This sequence change replaces arginine, which is basic and polar, with glutamine, which is neutral and polar, at codon 84 of the ACO2 protein (p.Arg84Gln). This variant is not present in population databases (gnomAD no frequency). This variant has not been reported in the literature in individuals affected with ACO2-related conditions. Invitae Evidence Modeling of protein sequence and biophysical properties (such as structural, functional, and spatial information, amino acid conservation, physicochemical variation, residue mobility, and thermodynamic stability) has been performed for this missense variant. However, the output from this modeling did not meet the statistical confidence thresholds required to predict the impact of this variant on ACO2 protein function. In summary, the available evidence is currently insufficient to determine the role of this variant in disease. Therefore, it has been classified as a Variant of Uncertain Significance.